The following is an entry in ClinVar:

NC_000017.10:g.(?_41219605)_(41251921_?)del

Gene: BRCA1 (BRCA1 DNA repair associated; minus strand). Cytogenetic location: 17q21.31.
Variant type: Deletion.
Identifiers: ClinVar variation 1456305 (VCV001456305.8).

ClinVar aggregate classification (germline): Pathogenic (1 of 4 stars; one submission).

Conditions:
Hereditary breast ovarian cancer syndrome. Also called: Hereditary breast and ovarian cancer; Breast and ovarian cancer; BRCA1- and BRCA2-Associated Hereditary Breast and Ovarian Cancer; Hereditary breast and/or ovarian cancer syndrome; Hereditary breast and ovarian cancer syndrome; Hereditary breast and ovarian cancer syndrome (HBOC). Identifiers: Orphanet 145, MedGen C0677776, MeSH D061325, MONDO:0003582. Disease mechanism: loss of function.

Submission:

Labcorp Genetics (formerly Invitae), Labcorp
Classification: Pathogenic for Hereditary breast ovarian cancer syndrome. Last evaluated: 2022-02-19. Review status: criteria provided, single submitter. Criteria: Invitae Variant Classification Sherloc (09022015). Collection method: clinical testing. Allele origin: germline.
Comment: For these reasons, this variant has been classified as Pathogenic. This variant has not been reported in the literature in individuals affected with BRCA1-related conditions. This variant is a gross deletion of the genomic region encompassing exon(s) 7-16 of the BRCA1 gene. This deletion is out-of-frame, and is expected to create a premature termination codon and result in an absent or disrupted protein product. Loss-of-function variants in BRCA1 are known to be pathogenic (PMID: 20104584).

Literature cited by the submitters: PubMed 20104584.